The following is an entry in ClinVar:

ClinVar aggregate classification (germline): Pathogenic/Likely pathogenic. Review status: criteria provided, multiple submitters, no conflicts (2 of 4 stars). 26 submissions from 24 submitters: Pathogenic (8); Likely pathogenic (10). 8 of the submissions do not count toward it. Last evaluated 2026-08-12.

Conditions:
CNGA1-related disorder. Also called: CNGA1-related condition.
Macular dystrophy. Identifiers: MedGen C0730292, HP:0007754.
Retinal dystrophy. Also called: Inherited retinal dystrophy. Identifiers: Orphanet 71862, MedGen C0854723, MeSH D058499, MONDO:0019118, HP:0000556.
Retinitis pigmentosa (RP). Identifiers: Orphanet 791, MedGen C0035334, MeSH D012174, MONDO:0019200, OMIM 268000. Inheritance: Autosomal dominant, autosomal recessive and X linked inheritance.
Retinitis pigmentosa 49 (RP49). Identifiers: Orphanet 791, MedGen C3151059, MONDO:0013405, OMIM 613756.
Cone-rod dystrophy. Also called: Cone-rod degeneration; Cone/cone-rod dystrophy. Identifiers: Orphanet 1872, MedGen C4085590, MONDO:0015993, HP:0000548.
Retinal disorder. Also called: Retinal disorders; Retinopathy; Retinopathies; Retinal Diseases. Identifiers: MedGen C0035309, MONDO:0005283, HP:0000488.

Allele frequency attached by ClinVar (database versions not stated): TOPMed 0.00117; 1000 Genomes Project 0.00060; 1000 Genomes Project 30x 0.00062.
gnomAD v4.1: 2,699 of 1,614,178 alleles (0.17%); highest among the groups gnomAD compares: Non-Finnish European, 0.21%; 2 homozygotes.

Submissions 1 to 12 of 26:

PreventionGenetics, part of Exact Sciences
Classification: Pathogenic for CNGA1-related condition. Last evaluated: 2026-08-12. Review status: criteria provided, single submitter. Criteria: ACMG Guidelines, 2015. Collection method: clinical testing. Allele origin: germline.
Comment: The CNGA1 c.959C>T variant is predicted to result in the amino acid substitution p.Ser320Phe. This variant has been reported in several individuals with autosomal recessive retinal disease (reported as p.Ser316Phe or p.Ser389Phe in Dryja et al. 1995. PubMed ID: 7479749; Eisenberger et al. 2013. PubMed ID: 24265693; Comander et al. 2017. PubMed ID: 28981474; Table S1, Weisschuh et al. 2020. PubMed ID: 32531858). Functional studies using protein expression in cell culture found that the p.Ser320Phe substitution causes the protein to mislocalize (Dryja et al. 1995. PubMed ID: 7479749). This variant is present in 0.19% of alleles in individuals of European (Non-Finnish) descent in gnomAD, indicating it is relatively common in this population. This variant is interpreted as pathogenic.

Genetics Laboratory, Great Ormond Street Hospital NHS Foundation Trust, North Thames Genomic Laboratory Hub
Classification: Pathogenic for Retinal disorders. Last evaluated: 2026-03-20. Review status: criteria provided, single submitter. Criteria: ACGS Best Practice Guidelines for Variant Classification in Rare Disease 2024 v1.2. Collection method: clinical testing. Allele origin: germline. Affected: yes.
Comment: PP3_supporting, PS3_supporting, PP1_strong, PM3_strong

Dasa
Classification: Likely pathogenic for Retinitis pigmentosa 49. Last evaluated: 2026-02-18. Review status: criteria provided, single submitter. Criteria: DASA Assertion Criteria. Collection method: clinical testing. Allele origin: germline.
Comment: NM_001379270.1(CNGA1):c.947C>T (p.Ser316Phe) is a missense variant that results in the substitution of serine with phenylalanine. Segregation data support an association with disease in the reported family/families (PMID: 7479749). This variant has been recurrently observed in individuals with CNGA1-related disorders (PMID: 7479749; PMID: 24265693; PMID: 25326637; PMID: 28981474). Also, this variant is rare in population databases. Computational evidence supports a deleterious effect. Based on the currently available evidence, this variant is classified as likely pathogenic.

Labcorp Genetics (formerly Invitae), Labcorp
Classification: Pathogenic. Last evaluated: 2026-01-26. Review status: criteria provided, single submitter. Criteria: Invitae Variant Classification Sherloc (09022015). Collection method: clinical testing. Allele origin: germline.
Comment: This sequence change replaces serine, which is neutral and polar, with phenylalanine, which is neutral and non-polar, at codon 320 of the CNGA1 protein (p.Ser320Phe). This variant is present in population databases (rs62625014, gnomAD 0.2%), and has an allele count higher than expected for a pathogenic variant. This missense change has been observed in individual(s) with clinical features of retinitis pigmentosa (PMID: 7479749, 24265693, 25326637, 28981474; internal data). In at least one individual the data is consistent with being in trans (on the opposite chromosome) from a pathogenic variant. It has also been observed to segregate with disease in related individuals. This variant is also known as Ser316Phe and p.Ser389Phe. ClinVar contains an entry for this variant (Variation ID: 16932). Invitae Evidence Modeling of protein sequence and biophysical properties (such as structural, functional, and spatial information, amino acid conservation, physicochemical variation, residue mobility, and thermodynamic stability) indicates that this missense variant is not expected to disrupt CNGA1 protein function with a negative predictive value of 80%. Experimental studies have shown that this missense change affects CNGA1 function (PMID: 7479749). For these reasons, this variant has been classified as Pathogenic.

Women's Health and Genetics/Laboratory Corporation of America, LabCorp
Classification: Likely pathogenic for Retinitis pigmentosa. Last evaluated: 2025-12-23. Review status: criteria provided, single submitter. Criteria: LabCorp Variant Classification Summary - May 2015. Collection method: clinical testing. Allele origin: germline.
Comment: Variant summary: CNGA1 c.947C>T (p.Ser316Phe) results in a non-conservative amino acid change located in the Ion transport domain (IPR005821) of the encoded protein sequence. Algorithms developed to predict the effect of missense changes on protein structure and function all suggest that this variant is likely to be disruptive. The variant allele was found at a frequency of 0.0011 in 249220 control chromosomes. The observed variant frequency exceeds the estimated maximal expected allele frequency for disease-causing variants in CNGA1. c.947C>T has been reported in the literature in multiple individuals affected with Retinitis Pigmentosa, either at a compound heterozygous with second pathogenic variants or at a homozygous state (examples, Dryja_1995, Lee_CNGA1_2014, Weisschuh_2020, internal data). These data indicate that the variant is likely to be associated with disease. At least one publication reports experimental evidence evaluating an impact on protein function. The most pronounced variant effect results in <10% of frequencies of detecting functional cGMP-activated channel in HEK293 cells and the variant CNGA1 was predominantly retained inside the cell instead of being targeted to the plasma membrane (Dryja_1995). The following publications have been ascertained in the context of this evaluation (PMID: 7479749, 25326637, 32531858). ClinVar contains an entry for this variant (Variation ID: 16932). Based on the evidence outlined above, the variant was classified as likely pathogenic.

GeneDx
Classification: Likely pathogenic. Last evaluated: 2025-09-08. Review status: criteria provided, single submitter. Criteria: GeneDx Variant Classification Process June 2021. Collection method: clinical testing. Allele origin: germline. Affected: yes.
Comment: In silico analysis supports that this missense variant has a deleterious effect on protein structure/function; This variant is associated with the following publications: (PMID: 22995991, 24265693, 7479749, 31054281, 28981474, 31456290, 34426522, 31429209, 32531858, 35456422, 34906470, 36460718, 25326637, 38927562, 37734845, 39062705, 38219857, 38523675)

Variantyx, Inc.
Classification: Pathogenic for Retinitis pigmentosa 49. Last evaluated: 2025-09-04. Review status: criteria provided, single submitter. Criteria: Variantyx Assertion Criteria 2022. Collection method: clinical testing. Allele origin: germline. Inheritance: Autosomal recessive inheritance. Affected: no.
Comment: This is a nonsynonymous variant in the CNGA1 gene (OMIM: 123825). Pathogenic variants in this gene have been associated with autosomal recessive retinitis pigmentosa 49. Functional studies have shown that this variant alters CNGA1 protein function (PMID: 7479749) (PS3), and multiple computational algorithms predict a deleterious effect for this variant (REVEL score: 0.821) (PP3). This variant has been identified in the homozygous or compound heterozygous state in at least two individuals reported in the published literature (PMID: 7479749, 24265693, 25326637) (PM3_Strong) and has a 0.2119% maximum allele frequency in non-founder control populations (PM2). Based on the current evidence, this variant is classified as pathogenic for autosomal recessive retinitis pigmentosa 49.

Blueprint Genetics
Classification: Pathogenic for CNGA1-related disorders. Last evaluated: 2024-11-21. Review status: criteria provided, single submitter. Criteria: ACMG Guidelines, 2015. Collection method: clinical testing. Allele origin: germline. Affected: yes. Observed: 5 variant alleles.

Fulgent Genetics
Classification: Likely pathogenic for Retinitis pigmentosa 49. Last evaluated: 2024-06-13. Review status: criteria provided, single submitter. Criteria: ACMG Guidelines, 2015. Collection method: clinical testing. Allele origin: germline.

CeGaT Center for Human Genetics Tuebingen
Classification: Pathogenic. Last evaluated: 2024-02-01. Review status: criteria provided, single submitter. Criteria: CeGaT Center For Human Genetics Tuebingen Variant Classification Criteria Version 2. Collection method: clinical testing. Allele origin: germline. Affected: yes. Observed: 1 variant allele.
Comment: CNGA1: PM3:Very Strong, PP1:Strong, PM2:Supporting

Baylor Genetics
Classification: Pathogenic for Retinitis pigmentosa 49. Last evaluated: 2022-01-12. Review status: criteria provided, single submitter. Criteria: ACMG Guidelines, 2015. Collection method: clinical testing. Allele origin: unknown.

Institute of Human Genetics, Univ. Regensburg, Univ. Regensburg
Classification: Pathogenic for Retinal dystrophy. Last evaluated: 2022-01-01. Review status: criteria provided, single submitter. Criteria: ACMG Guidelines, 2015. Collection method: clinical testing. Allele origin: germline. Affected: yes.

NM_001379270.1(CNGA1):c.947C>T (p.Ser316Phe)

Genes: CNGA1 (cyclic nucleotide gated channel subunit alpha 1; minus strand), LOC101927157 (uncharacterized LOC101927157; plus strand). Cytogenetic location: 4p12.
Variant type: single nucleotide variant.
Coding change: c.947C>T on transcript NM_001379270.1 (MANE Select); coding-DNA position 947, C replaced by T.
Protein change: p.Ser316Phe; replaces serine 316 with phenylalanine.
Molecular consequence: missense variant.
Genome position (GRCh38, 1-based): chr4:47,937,535, G>A on the plus strand (C>T on the coding strand, the complement: CNGA1 is on the minus strand). VCF-style: chr4-47937535-G-A. GRCh37 (hg19) VCF-style: chr4-47939552-G-A.
Other names: S316F; c.947C>T, p.Ser316Phe (NM_000087.5, NM_001142564.2); c.959C>T (NM_000087.4); short protein forms S389F.
Identifiers: ClinVar variation 16932 (VCV000016932.70), dbSNP rs62625014, ClinGen allele CA126990.
Genomic context (GRCh38, chr4:47,937,535, plus strand): 5'-GGATCATTAATATCAGGGTAGACCCATGTATCATTTCCAAATCCAATAGCTTTAGAAATA[G>A]AGTAGAACACACATGCATTCCAGTGGATAATGATGACGATATACATAACAAGGTTGGAAA-3'
Protein context (NP_001366199.1, residues 306-326): IIHWNACVFY[Ser316Phe]ISKAIGFGND